The following is an entry in ClinVar:

ClinVar aggregate classification (germline): Uncertain significance (1 of 4 stars; one submission).

Conditions:
Charcot-Marie-Tooth disease axonal type 2C (HMSN2C). Also called: CHARCOT-MARIE-TOOTH DISEASE, AXONAL, AUTOSOMAL DOMINANT, TYPE 2C; Charcot-Marie-Tooth Neuropathy Type 2C; Charcot-Marie-Tooth Disease Type 2, TRPV4-Related (CMT2C). Identifiers: Orphanet 99937, MedGen C1853710, MONDO:0011633, OMIM 606071.

Allele frequency attached by ClinVar (database versions not stated): gnomAD exomes below 0.00001; ExAC 0.00001.
gnomAD v4.1: 2 of 1,614,022 alleles (0.00012%); highest among the groups gnomAD compares: Non-Finnish European, 0.00017%; no homozygotes.

Submission:

Labcorp Genetics (formerly Invitae), Labcorp
Classification: Uncertain significance for Charcot-Marie-Tooth disease axonal type 2C. Last evaluated: 2021-12-17. Review status: criteria provided, single submitter. Criteria: Invitae Variant Classification Sherloc (09022015). Collection method: clinical testing. Allele origin: germline.
Comment: In summary, the available evidence is currently insufficient to determine the role of this variant in disease. Therefore, it has been classified as a Variant of Uncertain Significance. Advanced modeling of protein sequence and biophysical properties (such as structural, functional, and spatial information, amino acid conservation, physicochemical variation, residue mobility, and thermodynamic stability) performed at Invitae indicates that this missense variant is expected to disrupt TRPV4 protein function. This variant has not been reported in the literature in individuals affected with TRPV4-related conditions. This variant is present in population databases (rs763793577, gnomAD 0.0009%). This sequence change replaces alanine, which is neutral and non-polar, with valine, which is neutral and non-polar, at codon 468 of the TRPV4 protein (p.Ala468Val).

NM_021625.5(TRPV4):c.1403C>T (p.Ala468Val)

Gene: TRPV4 (transient receptor potential cation channel subfamily V member 4; minus strand). Cytogenetic location: 12q24.11.
Variant type: single nucleotide variant.
Coding change: c.1403C>T on transcript NM_021625.5 (MANE Select); coding-DNA position 1403, C replaced by T.
Protein change: p.Ala468Val; replaces alanine 468 with valine.
Molecular consequence: missense variant.
Genome position (GRCh38, 1-based): chr12:109,794,417, G>A on the plus strand (C>T on the coding strand, the complement: TRPV4 is on the minus strand). VCF-style: chr12-109794417-G-A. GRCh37 (hg19) VCF-style: chr12-110232222-G-A.
Other names: c.1262C>T, p.Ala421Val (NM_001177428.2); c.1301C>T, p.Ala434Val (NM_001177431.2); c.1082C>T, p.Ala361Val (NM_001177433.2); c.1223C>T, p.Ala408Val (NM_147204.3); short protein forms A421V, A468V, A361V, A434V, A408V.
Identifiers: ClinVar variation 1989850 (VCV001989850.4), dbSNP rs763793577, ClinGen allele CA6780248.